The following is an entry in ClinVar:

NM_006509.4(RELB):c.1588G>C (p.Gly530Arg)

Gene: RELB (RELB proto-oncogene, NF-kB subunit; plus strand). Cytogenetic location: 19q13.32.
Variant type: single nucleotide variant.
Coding change: c.1588G>C on transcript NM_006509.4 (MANE Select); coding-DNA position 1588, G replaced by C.
Protein change: p.Gly530Arg; replaces glycine 530 with arginine.
Molecular consequence: missense variant.
Genome position (GRCh38, 1-based): chr19:45,037,638, G>C. VCF-style: chr19-45037638-G-C. GRCh37 (hg19) VCF-style: chr19-45540896-G-C.
Other names: c.1579G>C, p.Gly527Arg (NM_001411087.1); c.1588G>C (NM_006509.3); short protein forms G527R, G530R.
Identifiers: ClinVar variation 2898895 (VCV002898895.4), dbSNP rs759972960, ClinGen allele CA9507917.

ClinVar aggregate classification (germline): Uncertain significance. Review status: criteria provided, multiple submitters, no conflicts (2 of 4 stars). 2 submissions from 2 submitters: Uncertain significance (2). Last evaluated 2025-12-15.

Allele frequency attached by ClinVar (database versions not stated): TOPMed 0.00001.
gnomAD v4.1: 4 of 1,599,984 alleles (0.00025%); highest among the groups gnomAD compares: Non-Finnish European, 0.00034%; no homozygotes.

Submissions (2):

Labcorp Genetics (formerly Invitae), Labcorp
Classification: Uncertain significance. Last evaluated: 2025-12-15. Review status: criteria provided, single submitter. Criteria: Invitae Variant Classification Sherloc (09022015). Collection method: clinical testing. Allele origin: germline.
Comment: This sequence change replaces glycine, which is neutral and non-polar, with arginine, which is basic and polar, at codon 530 of the RELB protein (p.Gly530Arg). This variant is present in population databases (rs759972960, gnomAD 0.001%). This variant has not been reported in the literature in individuals affected with RELB-related conditions. ClinVar contains an entry for this variant (Variation ID: 2898895). An algorithm developed to predict the effect of missense changes on protein structure and function (PolyPhen-2) suggests that this variant is likely to be disruptive. In summary, the available evidence is currently insufficient to determine the role of this variant in disease. Therefore, it has been classified as a Variant of Uncertain Significance.

Ambry Genetics
Classification: Uncertain significance. Last evaluated: 2025-04-25. Review status: criteria provided, single submitter. Criteria: Ambry Variant Classification Scheme 2023. Collection method: clinical testing. Allele origin: germline.